The following is an entry in ClinVar:

ClinVar aggregate classification (germline): Likely pathogenic (1 of 4 stars; one submission).

Conditions:
Epidermolysis bullosa dystrophica. Also called: Dystrophic epidermolysis bullosa; Dystrophic epidermolysis bullosa, Hallopeau-Siemens type (formerly). Identifiers: Orphanet 303, MedGen C0079294, MONDO:0006543.

Submission:

Women's Health and Genetics/Laboratory Corporation of America, LabCorp
Classification: Likely pathogenic for Epidermolysis bullosa dystrophica. Last evaluated: 2022-02-22. Review status: criteria provided, single submitter. Criteria: LabCorp Variant Classification Summary - May 2015. Collection method: clinical testing. Allele origin: germline.
Comment: Variant summary: COL7A1 c.4900-1G>A is located in a canonical splice-site and is predicted to affect mRNA splicing resulting in a significantly altered protein due to either exon skipping, shortening, or inclusion of intronic material. Several computational tools predict a significant impact on normal splicing: Four predict the variant abolishes a 3' acceptor site, with three of them also predicting the variant creates a new cryptic exonic 3' acceptor site. However, these predictions have yet to be confirmed by functional studies. The variant was absent in 250886 control chromosomes (gnomAD). To our knowledge, no occurrence of c.4900-1G>A in individuals affected with Dystrophic Epidermolysis Bullosa and no experimental evidence demonstrating its impact on protein function have been reported. No clinical diagnostic laboratories have submitted clinical-significance assessments for this variant to ClinVar after 2014. Based on the evidence outlined above, the variant was classified as likely pathogenic.

NM_000094.4(COL7A1):c.4900-1G>A

Gene: COL7A1 (collagen type VII alpha 1 chain; minus strand). Cytogenetic location: 3p21.31.
Variant type: single nucleotide variant.
Coding change: c.4900-1G>A on transcript NM_000094.4 (MANE Select); the canonical splice acceptor site of the intron before coding-DNA position 4900, G replaced by A.
Molecular consequence: splice acceptor variant.
Genome position (GRCh38, 1-based): chr3:48,581,158, C>T on the plus strand (G>A on the coding strand, the complement: COL7A1 is on the minus strand). VCF-style: chr3-48581158-C-T. GRCh37 (hg19) VCF-style: chr3-48618591-C-T.
Identifiers: ClinVar variation 1343422 (VCV001343422.1), dbSNP rs2107710536, ClinGen allele CA352682676.